The following is an entry in ClinVar:

ClinVar aggregate classification (germline): Uncertain significance (1 of 4 stars; one submission).

Conditions:
Hereditary breast ovarian cancer syndrome. Also called: Hereditary breast and ovarian cancer syndrome; Hereditary breast and ovarian cancer; BRCA1- and BRCA2-Associated Hereditary Breast and Ovarian Cancer; Hereditary breast and ovarian cancer syndrome (HBOC); Breast and ovarian cancer; Hereditary breast and/or ovarian cancer syndrome. Identifiers: Orphanet 145, MedGen C0677776, MeSH D061325, MONDO:0003582. Disease mechanism: loss of function.
Fanconi anemia, complementation group S (FANCS). Identifiers: MedGen C4554406, MONDO:0054748, OMIM 617883.

Submission:

Labcorp Genetics (formerly Invitae), Labcorp
Classification: Uncertain significance for Hereditary breast ovarian cancer syndrome. Last evaluated: 2025-01-29. Review status: criteria provided, single submitter. Criteria: Invitae Variant Classification Sherloc (09022015). Collection method: clinical testing. Allele origin: germline.
Comment: This sequence change replaces glutamic acid, which is acidic and polar, with glycine, which is neutral and non-polar, at codon 418 of the BRCA1 protein (p.Glu418Gly). This variant is not present in population databases (gnomAD no frequency). This variant has not been reported in the literature in individuals affected with BRCA1-related conditions. Invitae Evidence Modeling of protein sequence and biophysical properties (such as structural, functional, and spatial information, amino acid conservation, physicochemical variation, residue mobility, and thermodynamic stability) indicates that this missense variant is not expected to disrupt BRCA1 protein function with a negative predictive value of 80%. In summary, the available evidence is currently insufficient to determine the role of this variant in disease. Therefore, it has been classified as a Variant of Uncertain Significance.

NM_007294.4(BRCA1):c.1253A>G (p.Glu418Gly)

Gene: BRCA1 (BRCA1 DNA repair associated; minus strand). Cytogenetic location: 17q21.31.
Variant type: single nucleotide variant.
Coding change: c.1253A>G on transcript NM_007294.4 (MANE Select); coding-DNA position 1253, A replaced by G.
Protein change: p.Glu418Gly; replaces glutamic acid 418 with glycine.
Molecular consequence: missense variant. On other transcripts: intron variant (137).
Genome position (GRCh38, 1-based): chr17:43,094,278, T>C on the plus strand (A>G on the coding strand, the complement: BRCA1 is on the minus strand). VCF-style: chr17-43094278-T-C. GRCh37 (hg19) VCF-style: chr17-41246295-T-C.
Other names: c.986A>G, p.Glu329Gly (NM_001407932.1, NM_001407934.1, NM_001407936.1 and 2 more transcripts); c.989A>G, p.Glu330Gly (NM_001407933.1, NM_001407935.1, NM_001407920.1 and 9 more transcripts); c.1130A>G, p.Glu377Gly (NM_001407937.1, NM_001407938.1, NM_001407939.1 and 19 more transcripts); c.1127A>G, p.Glu376Gly (NM_001407940.1, NM_001407941.1, NM_001407685.1 and 11 more transcripts); c.920A>G, p.Glu307Gly (NM_001407951.1, NM_001407952.1, NM_001407953.1 and 6 more transcripts); c.917A>G, p.Glu306Gly (NM_001407954.1, NM_001407955.1, NM_001407956.1 and 1 more transcripts); c.872A>G, p.Glu291Gly (NM_001407959.1, NM_001407960.1, NM_001407963.1); c.1250A>G, p.Glu417Gly (NM_001407635.1, NM_001407636.1, NM_001407637.1 and 22 more transcripts); and 40 more; short protein forms E122G, E290G, E348G, E351G, E392G, E250G, E306G, E347G.
Identifiers: ClinVar variation 3687759 (VCV003687759.3).
Genomic context (GRCh38, chr17:43,094,278, plus strand): 5'-TCATGAGGATCACTGGCCAGTAAGTCTATTTTCTCTGAAGAACCAGAATATTCATCTACC[T>C]CATTTAGAACGTCCAATACATCAGCTACTTTGGCATTTGATTCAGACTCCCCATCATGTG-3'
Protein context (NP_009225.1, residues 408-428): KVADVLDVLN[Glu418Gly]VDEYSGSSEK